The following is an entry in ClinVar:

ClinVar aggregate classification (germline): Uncertain significance (1 of 4 stars; one submission).

Submission:

GeneDx
Classification: Uncertain significance. Last evaluated: 2024-03-27. Review status: criteria provided, single submitter. Criteria: GeneDx Variant Classification Process June 2021. Collection method: clinical testing. Allele origin: germline. Affected: yes.
Comment: Not observed at significant frequency in large population cohorts (gnomAD); In silico analysis supports that this missense variant has a deleterious effect on protein structure/function; Has not been previously published as pathogenic or benign to our knowledge

NM_003587.5(DHX16):c.1117G>C (p.Gly373Arg)

Gene: DHX16 (DEAH-box helicase 16; minus strand). Cytogenetic location: 6p21.33.
Variant type: single nucleotide variant.
Coding change: c.1117G>C on transcript NM_003587.5 (MANE Select); coding-DNA position 1117, G replaced by C.
Protein change: p.Gly373Arg; replaces glycine 373 with arginine.
Molecular consequence: missense variant. On other transcripts: 5 prime UTR variant (1).
Genome position (GRCh38, 1-based): chr6:30,665,079, C>G on the plus strand (G>C on the coding strand, the complement: DHX16 is on the minus strand). VCF-style: chr6-30665079-C-G. GRCh37 (hg19) VCF-style: chr6-30632856-C-G.
Other names: c.937G>C, p.Gly313Arg (NM_001164239.2); c.-1003G>C (NM_001363515.2); short protein forms G313R, G373R.
Identifiers: ClinVar variation 3371760 (VCV003371760.1).